The following is an entry in ClinVar:

NM_001040142.2(SCN2A):c.1925G>A (p.Gly642Glu)

Gene: SCN2A (sodium voltage-gated channel alpha subunit 2; plus strand). Cytogenetic location: 2q24.3.
Variant type: single nucleotide variant.
Coding change: c.1925G>A on transcript NM_001040142.2 (MANE Select); coding-DNA position 1925, G replaced by A.
Protein change: p.Gly642Glu; replaces glycine 642 with glutamic acid.
Molecular consequence: missense variant.
Genome position (GRCh38, 1-based): chr2:165,323,409, G>A. VCF-style: chr2-165323409-G-A. GRCh37 (hg19) VCF-style: chr2-166179919-G-A.
Other names: c.1925G>A, p.Gly642Glu (NM_001040143.2, NM_001371246.1, NM_001371247.1 and 1 more transcripts); short protein forms G642E.
Identifiers: ClinVar variation 1320964 (VCV001320964.2), dbSNP rs2105277170, ClinGen allele CA349027486.

ClinVar aggregate classification (germline): Uncertain significance (1 of 4 stars; one submission).

Submission:

GeneDx
Classification: Uncertain significance. Last evaluated: 2019-03-14. Review status: criteria provided, single submitter. Criteria: GeneDx Variant Classification Process June 2021. Collection method: clinical testing. Allele origin: germline. Affected: yes.
Comment: Not observed in large population cohorts (Lek et al., 2016); The majority of missense variants in this gene are considered pathogenic (Stenson et al., 2014); In silico analysis, which includes protein predictors and evolutionary conservation, supports a deleterious effect; Has not been previously published as pathogenic or benign to our knowledge; This substitution is predicted to be in the cytoplasmic loop between the first and second homologous domains